The following is an entry in ClinVar:

ClinVar aggregate classification (germline): Uncertain significance. Review status: criteria provided, single submitter (1 of 4 stars). 2 submissions from 2 submitters: Uncertain significance (1). 1 of the submissions does not count toward it. Last evaluated 2024-05-04.

Conditions:
BBS4-related disorder. Also called: BBS4-related condition.
Bardet-Biedl syndrome 4 (BBS4). Identifiers: Orphanet 110, MedGen C2936864, MONDO:0014433, OMIM 615982.

gnomAD v4.1: 3 of 1,613,188 alleles (0.00019%); highest among the groups gnomAD compares: Admixed American, 0.0017%; no homozygotes.

Submissions (2):

Fulgent Genetics
Classification: Uncertain significance for Bardet-Biedl syndrome 4. Last evaluated: 2024-05-04. Review status: criteria provided, single submitter. Criteria: ACMG Guidelines, 2015. Collection method: clinical testing. Allele origin: germline.

PreventionGenetics, part of Exact Sciences
Classification: Uncertain significance for BBS4-related condition. Last evaluated: 2024-05-08. Review status: no assertion criteria provided. Collection method: clinical testing. Allele origin: germline. Not counted in ClinVar's aggregate classification.
Comment: The BBS4 c.1497G>A variant is not predicted to result in an amino acid change (p.=). However, this variant is predicted to possibly activate a cryptic acceptor site within the exon and may result in aberrant splicing (SpliceAI, Jaganathan K, et al. 2019. PubMed ID: 30661751). The use of computer prediction programs is not equivalent to functional evidence. To our knowledge, this variant has not been reported in the literature. This variant is reported in 0.0033% of alleles in individuals of South Asian descent in gnomAD. At this time, the clinical significance of this variant is uncertain due to the absence of conclusive functional and genetic evidence.

NM_033028.5(BBS4):c.1497G>A (p.Leu499=)

Gene: BBS4 (Bardet-Biedl syndrome 4; plus strand). Cytogenetic location: 15q24.1.
Variant type: single nucleotide variant.
Coding change: c.1497G>A on transcript NM_033028.5 (MANE Select); coding-DNA position 1497, G replaced by A.
Protein change: p.Leu499=; no amino-acid change (leucine 499 retained).
Molecular consequence: synonymous variant. On other transcripts: non-coding transcript variant (2).
Genome position (GRCh38, 1-based): chr15:72,737,524, G>A. VCF-style: chr15-72737524-G-A. GRCh37 (hg19) VCF-style: chr15-73029865-G-A.
Other names: c.981G>A, p.Leu327= (NM_001252678.2); c.1428G>A, p.Leu476= (NM_001320665.2).
Identifiers: ClinVar variation 3350514 (VCV003350514.2).